The following is an entry in ClinVar:

NM_021830.5(TWNK):c.1001G>T (p.Arg334Leu)

Gene: TWNK (twinkle mtDNA helicase; plus strand). Cytogenetic location: 10q24.31.
Variant type: single nucleotide variant.
Coding change: c.1001G>T on transcript NM_021830.5 (MANE Select); coding-DNA position 1001, G replaced by T.
Protein change: p.Arg334Leu; replaces arginine 334 with leucine.
Molecular consequence: missense variant. On other transcripts: non-coding transcript variant (4), intron variant (3).
Genome position (GRCh38, 1-based): chr10:100,989,211, G>T. VCF-style: chr10-100989211-G-T. GRCh37 (hg19) VCF-style: chr10-102748968-G-T.
Other names: c.1001G>T, p.Arg334Leu (NM_001163812.2); c.-119-433G>T (NM_001163814.2, NM_001163813.2); c.-57-495G>T (NM_001368275.1); c.1001G>T (NM_021830.4); short protein forms R334L.
Identifiers: ClinVar variation 2015967 (VCV002015967.5), dbSNP rs28937887, ClinGen allele CA212963147.

ClinVar aggregate classification (germline): Conflicting classifications of pathogenicity. Review status: criteria provided, conflicting classifications (1 of 4 stars). 2 submissions from 2 submitters: Likely pathogenic (1); Uncertain significance (1). Last evaluated 2026-02-12.

Submissions (2):

GeneDx
Classification: Uncertain significance. Last evaluated: 2026-02-12. Review status: criteria provided, single submitter. Criteria: GeneDx Variant Classification Process June 2021. Collection method: clinical testing. Allele origin: germline.
Comment: Identified in an individual from a cohort of patients with Parkinson's disease (PMID: 35792653); Not observed at significant frequency in large population cohorts (gnomAD); In silico analysis supports that this missense variant has a deleterious effect on protein structure/function; This variant is associated with the following publications: (PMID: 24086434, 12707443, 18575922, 12872260, 19084593, 35792653)

Labcorp Genetics (formerly Invitae), Labcorp
Classification: Likely pathogenic. Last evaluated: 2025-12-20. Review status: criteria provided, single submitter. Criteria: Invitae Variant Classification Sherloc (09022015). Collection method: clinical testing. Allele origin: germline.
Comment: This sequence change replaces arginine, which is basic and polar, with leucine, which is neutral and non-polar, at codon 334 of the TWNK protein (p.Arg334Leu). This variant is not present in population databases (gnomAD no frequency). This missense change has been observed in individual(s) with progressive external ophthalmoplegia (PMID: 35792653). ClinVar contains an entry for this variant (Variation ID: 2015967). Invitae Evidence Modeling of protein sequence and biophysical properties (such as structural, functional, and spatial information, amino acid conservation, physicochemical variation, residue mobility, and thermodynamic stability) indicates that this missense variant is expected to disrupt TWNK protein function with a positive predictive value of 95%. This variant disrupts the p.Arg334 amino acid residue in TWNK. Other variant(s) that disrupt this residue have been determined to be pathogenic (PMID: 12707443, 24086434; internal data). This suggests that this residue is clinically significant, and that variants that disrupt this residue are likely to be disease-causing. In summary, the currently available evidence indicates that the variant is pathogenic, but additional data are needed to prove that conclusively. Therefore, this variant has been classified as Likely Pathogenic.

Literature cited by the submitters: PubMed 35792653 (cited by Labcorp Genetics (formerly Invitae), Labcorp); PubMed 12707443 (cited by Labcorp Genetics (formerly Invitae), Labcorp); PubMed 24086434 (cited by Labcorp Genetics (formerly Invitae), Labcorp).